The following is an entry in ClinVar:

NM_006180.6(NTRK2):c.184A>G (p.Ser62Gly)

Gene: NTRK2 (neurotrophic receptor tyrosine kinase 2; plus strand). Cytogenetic location: 9q21.33.
Variant type: single nucleotide variant.
Coding change: c.184A>G on transcript NM_006180.6 (MANE Select); coding-DNA position 184, A replaced by G.
Protein change: p.Ser62Gly; replaces serine 62 with glycine.
Molecular consequence: missense variant.
Genome position (GRCh38, 1-based): chr9:84,670,932, A>G. VCF-style: chr9-84670932-A-G. GRCh37 (hg19) VCF-style: chr9-87285847-A-G.
Other names: c.184A>G, p.Ser62Gly (NM_001007097.3, NM_001018064.3, NM_001018065.2 and 19 more transcripts); short protein forms S62G.
Identifiers: ClinVar variation 2265355 (VCV002265355.4), dbSNP rs915858967, ClinGen allele CA195738466.

ClinVar aggregate classification (germline): Uncertain significance. Review status: criteria provided, multiple submitters, no conflicts (2 of 4 stars). 2 submissions from 2 submitters: Uncertain significance (2). Last evaluated 2024-09-17.

Conditions:
Inborn genetic diseases. Identifiers: MedGen C0950123, MeSH D030342.

Allele frequency attached by ClinVar (database versions not stated): gnomAD exomes below 0.00001.
gnomAD v4.1: 1 of 1,607,234 alleles (0.000062%); highest among the groups gnomAD compares: Non-Finnish European, 0.000085%; no homozygotes.

Submissions (2):

Labcorp Genetics (formerly Invitae), Labcorp
Classification: Uncertain significance. Last evaluated: 2024-09-17. Review status: criteria provided, single submitter. Criteria: Invitae Variant Classification Sherloc (09022015). Collection method: clinical testing. Allele origin: germline.
Comment: This sequence change replaces serine, which is neutral and polar, with glycine, which is neutral and non-polar, at codon 62 of the NTRK2 protein (p.Ser62Gly). This variant is not present in population databases (gnomAD no frequency). This variant has not been reported in the literature in individuals affected with NTRK2-related conditions. ClinVar contains an entry for this variant (Variation ID: 2265355). Invitae Evidence Modeling of protein sequence and biophysical properties (such as structural, functional, and spatial information, amino acid conservation, physicochemical variation, residue mobility, and thermodynamic stability) indicates that this missense variant is not expected to disrupt NTRK2 protein function with a negative predictive value of 80%. In summary, the available evidence is currently insufficient to determine the role of this variant in disease. Therefore, it has been classified as a Variant of Uncertain Significance.

Ambry Genetics
Classification: Uncertain significance for Inborn genetic diseases. Last evaluated: 2021-12-07. Review status: criteria provided, single submitter. Criteria: Ambry Variant Classification Scheme 2023. Collection method: clinical testing. Allele origin: germline.